The following is an entry in ClinVar:

NM_002224.4(ITPR3):c.3597C>T (p.Asn1199=)

Gene: ITPR3 (inositol 1,4,5-trisphosphate receptor type 3; plus strand). Cytogenetic location: 6p21.31.
Variant type: single nucleotide variant.
Coding change: c.3597C>T on transcript NM_002224.4 (MANE Select); coding-DNA position 3597, C replaced by T.
Protein change: p.Asn1199=; no amino-acid change (asparagine 1199 retained).
Molecular consequence: synonymous variant.
Genome position (GRCh38, 1-based): chr6:33,677,578, C>T. VCF-style: chr6-33677578-C-T. GRCh37 (hg19) VCF-style: chr6-33645355-C-T.
Identifiers: ClinVar variation 3045060 (VCV003045060.3), dbSNP rs148127945, ClinGen allele CA3760961.
Genomic context (GRCh38, chr6:33,677,578, plus strand): 5'-GAACAAGATGTGCGGGGTTGGGGAGCAAATGAGGAAGAAGCAGCAACGGCTGCTGAAGAA[C>T]ATGGATGCCCACAAGGTCATGCTGGACCTGCTGCAGATCCCCTATGACAAGGTGGCTCTG-3'
Protein context (NP_002215.2, residues 1189-1209): MRKKQQRLLK[Asn1199=]MDAHKVMLDL

ClinVar aggregate classification (germline): Benign (1 of 4 stars; one submission).

Conditions:
ITPR3-related disorder. Also called: ITPR3-related condition.

Allele frequency attached by ClinVar (database versions not stated): gnomAD exomes 0.00014; ExAC 0.00055; 1000 Genomes Project 0.00080; 1000 Genomes Project 30x 0.00094; ESP Exome Variant Server 0.00108; gnomAD 0.00120; TOPMed 0.00132.
gnomAD v4.1: 391 of 1,614,062 alleles (0.024%); highest among the groups gnomAD compares: African/African-American, 0.38%; 2 homozygotes.

Submission:

PreventionGenetics, part of Exact Sciences
Classification: Benign for ITPR3-related condition. Last evaluated: 2026-04-30. Review status: criteria provided, single submitter. Criteria: ACMG Guidelines, 2015. Collection method: clinical testing. Allele origin: germline.
Comment: This variant is classified as benign based on ACMG/AMP sequence variant interpretation guidelines (Richards et al. 2015 PMID: 25741868, with internal and published modifications).